The following is an entry in ClinVar:

NM_001243156.2(TAF1C):c.2027C>T (p.Ala676Val)

Gene: TAF1C (TATA-box binding protein associated factor, RNA polymerase I subunit C; minus strand). Cytogenetic location: 16q24.1.
Variant type: single nucleotide variant.
Coding change: c.2027C>T on transcript NM_001243156.2 (MANE Select); coding-DNA position 2027, C replaced by T.
Protein change: p.Ala676Val; replaces alanine 676 with valine.
Molecular consequence: missense variant.
Genome position (GRCh38, 1-based): chr16:84,179,446, G>A on the plus strand (C>T on the coding strand, the complement: TAF1C is on the minus strand). VCF-style: chr16-84179446-G-A. GRCh37 (hg19) VCF-style: chr16-84213052-G-A.
Other names: c.1109C>T, p.Ala370Val (NM_001243157.2, NM_001243158.2); c.878C>T, p.Ala293Val (NM_001243159.2); c.674C>T, p.Ala225Val (NM_001243160.2); c.2105C>T, p.Ala702Val (NM_005679.4); c.1823C>T, p.Ala608Val (NM_139353.3); short protein forms A702V, A225V, A370V, A676V, A293V, A608V.
Identifiers: ClinVar variation 2386675 (VCV002386675.21), dbSNP rs372046004, ClinGen allele CA8203405.
Genomic context (GRCh38, chr16:84,179,446, plus strand): 5'-CCCAGGCGCTCACTGAGCTTGTCCTCTAGGCCTGACTCGGGTGCAGGGGGTGGCTCTGCC[G>A]CAGGGAGGGAGCCCAGGTCTCTCTGCAGCAGGAGCTGCCCTCGGGCCATGGCCTTGCGGA-3'
Protein context (NP_001230085.2, residues 666-686): LLQRDLGSLP[Ala676Val]AEPPPAPESG

ClinVar aggregate classification (germline): Uncertain significance. Review status: criteria provided, multiple submitters, no conflicts (2 of 4 stars). 2 submissions from 2 submitters: Uncertain significance (2). Last evaluated 2024-06-01.

Allele frequency attached by ClinVar (database versions not stated): ExAC 0.00004; gnomAD 0.00004; ESP Exome Variant Server 0.00008; 1000 Genomes Project 30x 0.00016; 1000 Genomes Project 0.00020.
gnomAD v4.1: 27 of 1,596,880 alleles (0.0017%); highest among the groups gnomAD compares: African/African-American, 0.012%; no homozygotes.

Submissions (2):

CeGaT Center for Human Genetics Tuebingen
Classification: Uncertain significance. Last evaluated: 2024-06-01. Review status: criteria provided, single submitter. Criteria: CeGaT Center For Human Genetics Tuebingen Variant Classification Criteria Version 2. Collection method: clinical testing. Allele origin: germline. Affected: yes. Observed: 1 variant allele.
Comment: TAF1C: PM2

Ambry Genetics
Classification: Uncertain significance. Last evaluated: 2021-07-14. Review status: criteria provided, single submitter. Criteria: Ambry Variant Classification Scheme 2023. Collection method: clinical testing. Allele origin: germline.